The following is an entry in ClinVar:

ClinVar aggregate classification (germline): Conflicting classifications of pathogenicity. Review status: criteria provided, conflicting classifications (1 of 4 stars). 11 submissions from 10 submitters: Likely pathogenic (8); Uncertain significance (1); Likely benign (1). 1 of the submissions does not count toward it. Last evaluated 2025-05-19.

Conditions:
KIAA0753-related disorder.
Orofaciodigital syndrome XV (OFD15). Also called: OFDS XV; ORAL-FACIAL-DIGITAL SYNDROME, TYPE XV. Identifiers: MedGen C4310701, MONDO:0014932, OMIM 617127.
Joubert syndrome 38. Identifiers: MedGen C5561958, MONDO:0030353, OMIM 619476.
Short-rib thoracic dysplasia 21 without polydactyly. Identifiers: MedGen C5561961, MONDO:0030356, OMIM 619479.
Jeune thoracic dystrophy. Also called: Short-rib thoracic dysplasia; Jeune syndrome; Infantile thoracic dystrophy; Thoracic pelvic phalangeal dystrophy; Jeune's syndrome; Chondroectodermal dysplasia-like syndrome. Identifiers: Orphanet 474, MedGen C0265275, MONDO:0018770.
Joubert syndrome. Also called: Familial aplasia of the vermis; JOUBERT-BOLTSHAUSER SYNDROME. Identifiers: Orphanet 475, MedGen C5979921, MONDO:0018772.

Allele frequency attached by ClinVar (database versions not stated): TOPMed below 0.00001; gnomAD exomes 0.00003 and 0.00006; ExAC 0.00018.
gnomAD v4.1: 37 of 1,558,974 alleles (0.0024%); highest among the groups gnomAD compares: South Asian, 0.029%; no homozygotes.

Submissions (11):

First Genomix Gene Laboratory, Genetic Diagnostics Department
Classification: Likely pathogenic for Joubert syndrome 38; Orofaciodigital syndrome XV; Short-rib thoracic dysplasia 21 without polydactyly. Last evaluated: 2025-05-19. Review status: criteria provided, single submitter. Criteria: ACMG Guidelines, 2015. Collection method: clinical testing. Allele origin: germline. Inheritance: Autosomal recessive inheritance. Affected: no. Observed: 1 variant allele.

GeneDx
Classification: Likely pathogenic. Last evaluated: 2025-03-10. Review status: criteria provided, single submitter. Criteria: GeneDx Variant Classification Process June 2021. Collection method: clinical testing. Allele origin: germline. Affected: yes.
Comment: RNA studies demonstrate a damaging effect as this variant leads to aberrant exon 4 skipping when present in the homozygous state (PMID: 33875766); Nucleotide is not conserved across species and the substitution has no predicted effect on splicing; This variant is associated with the following publications: (PMID: 29138412, 39806532, 33875766, 33726816)

Institute of Medical Genetics and Genomics, Sir Ganga Ram Hospital
Classification: Likely pathogenic for Orofaciodigital syndrome XV. Last evaluated: 2024-12-13. Review status: criteria provided, single submitter. Criteria: ACMG Guidelines, 2015. Collection method: clinical testing. Allele origin: germline. Inheritance: Autosomal recessive inheritance. Affected: yes. Observed: 1 homozygote.
Comment: The homozygous synonymous variant identified in KIAA0753 gene is absent form normal population database fulfilling PM2 and it reported in four deceased patients in homozygous state in clinvar with variation ID: 224512 fulfilling PM3. This synonymous variant has been shown to affect splicing, leading to skipping of exon 4 in the KIAA0753 protein[PMID: 29138412] hence classified as likely pathogenic

Fulgent Genetics
Classification: Likely pathogenic for Orofaciodigital syndrome XV; Joubert syndrome 38; Short-rib thoracic dysplasia 21 without polydactyly. Last evaluated: 2024-05-03. Review status: criteria provided, single submitter. Criteria: ACMG Guidelines, 2015. Collection method: clinical testing. Allele origin: germline.

Revvity Omics, Revvity
Classification: Uncertain significance. Last evaluated: 2023-09-26. Review status: criteria provided, single submitter. Criteria: ACMG Guidelines, 2015. Collection method: clinical testing. Allele origin: germline.

Labcorp Genetics (formerly Invitae), Labcorp
Classification: Likely benign. Last evaluated: 2022-11-10. Review status: criteria provided, single submitter. Criteria: Invitae Variant Classification Sherloc (09022015). Collection method: clinical testing. Allele origin: germline.

Rare Disease Group, Clinical Genetics, Karolinska Institutet
Classification: Likely pathogenic for Jeune thoracic dystrophy; Joubert syndrome. Last evaluated: 2019-06-11. Review status: criteria provided, single submitter. Criteria: ACMG Guidelines, 2015. Collection method: clinical testing. Allele origin: inherited. Inheritance: Autosomal recessive inheritance. Affected: yes. Observed: 1 homozygote.
Comment: This synonymous variant has been shown to affect splicing, leading to skipping of exon 4 in the KIAA0753 protein (shown by sequencing cDNA from homozygous individual). Four deceased patients (from two families) with SRTD and JBTS phenotype are homozygous for this variant. In summary, this seemingly synonymous variant affect splicing and should be considered as likely pathogenic.

Clinical Genetics and Genomics, Karolinska University Hospital
Classification: Likely pathogenic. Last evaluated: 2018-11-20. Review status: criteria provided, single submitter. Criteria: ACMG Guidelines, 2015. Collection method: clinical testing. Allele origin: germline. Affected: yes. Observed: 2 variant alleles.

Blueprint Genetics
Classification: Likely pathogenic for KIAA0753-related disorders. Last evaluated: 2018-09-03. Review status: criteria provided, single submitter. Criteria: ACMG Guidelines, 2015. Collection method: clinical testing. Allele origin: germline. Affected: yes. Observed: 4 variant alleles.

Rare Disease Group, Clinical Genetics, Karolinska Institutet
Classification: Likely pathogenic for Jeune thoracic dystrophy. Last evaluated: 2018-05-01. Review status: criteria provided, single submitter. Criteria: ACMG Guidelines, 2015. Collection method: research. Allele origin: germline. Inheritance: Autosomal recessive inheritance. Affected: yes.

OMIM
Classification: Pathogenic for SHORT-RIB THORACIC DYSPLASIA 21. Last evaluated: 2021-10-07. Review status: no assertion criteria provided. Collection method: literature only. Allele origin: germline. Not counted in ClinVar's aggregate classification.

Literature cited by the submitters: PubMed 29138412 (cited by Institute of Medical Genetics and Genomics, Sir Ganga Ram Hospital); Hammarsjo, A., Pettersson, M., Chitayat, D., Handa, A., Anderlid, B.-M., Bartocci, M., Basel, D., Batkovskyte, D., Beleza-Meireles, A., Conner, P., Eisfeldt J., Girisha, K. M., and 21 others High diagnostic yield in skeletal ciliopathies using massively parallel genome sequencing, structural variant screening and RNA analyses. J. Hum. Genet. 66: 995-1008, 2021. (cited by OMIM).

NM_014804.3(KIAA0753):c.810C>T (p.Tyr270=)

Gene: KIAA0753 (KIAA0753; minus strand). Cytogenetic location: 17p13.1.
Variant type: single nucleotide variant.
Coding change: c.810C>T on transcript NM_014804.3 (MANE Select); coding-DNA position 810, C replaced by T.
Protein change: p.Tyr270=; no amino-acid change (tyrosine 270 retained).
Molecular consequence: synonymous variant. On other transcripts: 5 prime UTR variant (1), non-coding transcript variant (1).
Genome position (GRCh38, 1-based): chr17:6,624,770, G>A on the plus strand (C>T on the coding strand, the complement: KIAA0753 is on the minus strand). VCF-style: chr17-6624770-G-A. GRCh37 (hg19) VCF-style: chr17-6528090-G-A.
Other names: c.-425C>T (NM_001351225.2).
Identifiers: ClinVar variation 558755 (VCV000558755.28), dbSNP rs752659088, ClinGen allele CA8330698.